The following is an entry in ClinVar:

NM_006231.4(POLE):c.4996A>T (p.Thr1666Ser)

Gene: POLE (DNA polymerase epsilon, catalytic subunit; minus strand). Cytogenetic location: 12q24.33.
Variant type: single nucleotide variant.
Coding change: c.4996A>T on transcript NM_006231.4 (MANE Select); coding-DNA position 4996, A replaced by T.
Protein change: p.Thr1666Ser; replaces threonine 1666 with serine.
Molecular consequence: missense variant.
Genome position (GRCh38, 1-based): chr12:132,642,354, T>A on the plus strand (A>T on the coding strand, the complement: POLE is on the minus strand). VCF-style: chr12-132642354-T-A. GRCh37 (hg19) VCF-style: chr12-133218940-T-A.
Other names: short protein forms T1666S.
Identifiers: ClinVar variation 845909 (VCV000845909.9), dbSNP rs761329946, ClinGen allele CA387377467.
Genomic context (GRCh38, chr12:132,642,354, plus strand): 5'-GCCAGAGCAGGTGGTTGTGGCGCTGGAGGTGGCGGGCAAAGAAGAGGTCGGAGCCGAATG[T>A]GGAGATGTCCTCTGGTAGGTTCCCAATGGGAATGTGAAAGTACCTGCACCAGGGCACAGG-3'
Protein context (NP_006222.2, residues 1656-1676): PIGNLPEDIS[Thr1666Ser]FGSDLFFARH

ClinVar aggregate classification (germline): Uncertain significance (1 of 4 stars; one submission).

Submission:

Labcorp Genetics (formerly Invitae), Labcorp
Classification: Uncertain significance. Last evaluated: 2019-01-13. Review status: criteria provided, single submitter. Criteria: Invitae Variant Classification Sherloc (09022015). Collection method: clinical testing. Allele origin: germline.
Comment: In summary, the available evidence is currently insufficient to determine the role of this variant in disease. Therefore, it has been classified as a Variant of Uncertain Significance. Algorithms developed to predict the effect of missense changes on protein structure and function (SIFT, PolyPhen-2, Align-GVGD) all suggest that this variant is likely to be tolerated, but these predictions have not been confirmed by published functional studies and their clinical significance is uncertain. This variant has not been reported in the literature in individuals with POLE-related conditions. This variant is not present in population databases (ExAC no frequency). This sequence change replaces threonine with serine at codon 1666 of the POLE protein (p.Thr1666Ser). The threonine residue is moderately conserved and there is a small physicochemical difference between threonine and serine.